The following is an entry in ClinVar:

ClinVar aggregate classification (germline): Uncertain significance. Review status: criteria provided, multiple submitters, no conflicts (2 of 4 stars). 2 submissions from 2 submitters: Uncertain significance (2). Last evaluated 2026-09-02.

Conditions:
Nephronophthisis. Also called: Juvenile Nephronophthisis. Identifiers: Orphanet 655, MedGen C0687120, MONDO:0019005, HP:0000090.
Meckel-Gruber syndrome. Also called: DYSENCEPHALIA SPLANCHNOCYSTICA; Dysencephalia splachnocystica; GRUBER SYNDROME. Identifiers: Orphanet 564, MedGen C0265215, MONDO:0018921.
Joubert syndrome. Also called: Familial aplasia of the vermis; JOUBERT-BOLTSHAUSER SYNDROME. Identifiers: Orphanet 475, MedGen C5979921, MONDO:0018772.
CEP290-related disorder. Also called: CEP290-related condition; CEP290-related disorders. Identifiers: MedGen CN239314.

gnomAD v4.1: 3 of 1,548,658 alleles (0.00019%); highest among the groups gnomAD compares: Non-Finnish European, 0.00017%; no homozygotes.

Submissions (2):

PreventionGenetics, part of Exact Sciences
Classification: Uncertain significance for CEP290-related condition. Last evaluated: 2026-09-02. Review status: criteria provided, single submitter. Criteria: ACMG Guidelines, 2015. Collection method: clinical testing. Allele origin: germline.
Comment: The CEP290 c.1508T>G variant is predicted to result in the amino acid substitution p.Leu503Arg. To our knowledge, this variant has not been reported in the literature. This variant is reported in 0.0013% of alleles in individuals of European (Non-Finnish) descent in gnomAD. At this time, the clinical significance of this variant is uncertain due to the absence of conclusive functional and genetic evidence.

Labcorp Genetics (formerly Invitae), Labcorp
Classification: Uncertain significance for Joubert syndrome; Meckel-Gruber syndrome; Nephronophthisis. Last evaluated: 2022-03-10. Review status: criteria provided, single submitter. Criteria: Invitae Variant Classification Sherloc (09022015). Collection method: clinical testing. Allele origin: germline.
Comment: This sequence change replaces leucine, which is neutral and non-polar, with arginine, which is basic and polar, at codon 503 of the CEP290 protein (p.Leu503Arg). This variant is present in population databases (rs761301690, gnomAD 0.001%). This variant has not been reported in the literature in individuals affected with CEP290-related conditions. ClinVar contains an entry for this variant (Variation ID: 956782). Algorithms developed to predict the effect of missense changes on protein structure and function are either unavailable or do not agree on the potential impact of this missense change (SIFT: "Deleterious"; PolyPhen-2: "Probably Damaging"; Align-GVGD: "Class C0"). In summary, the available evidence is currently insufficient to determine the role of this variant in disease. Therefore, it has been classified as a Variant of Uncertain Significance.

NM_025114.4(CEP290):c.1508T>G (p.Leu503Arg)

Gene: CEP290 (centrosomal protein 290; minus strand). Cytogenetic location: 12q21.32.
Variant type: single nucleotide variant.
Coding change: c.1508T>G on transcript NM_025114.4 (MANE Select); coding-DNA position 1508, T replaced by G.
Protein change: p.Leu503Arg; replaces leucine 503 with arginine.
Molecular consequence: missense variant.
Genome position (GRCh38, 1-based): chr12:88,120,128, A>C on the plus strand (T>G on the coding strand, the complement: CEP290 is on the minus strand). VCF-style: chr12-88120128-A-C. GRCh37 (hg19) VCF-style: chr12-88513905-A-C.
Other names: short protein forms L503R.
Identifiers: ClinVar variation 956782 (VCV000956782.5), dbSNP rs761301690, ClinGen allele CA6712549.
Genomic context (GRCh38, chr12:88,120,128, plus strand): 5'-TTGTAAATCAGGTTGCGCAAACTATGTAACTTAAAACATGGCTTACCCACACGCTCTCTA[A>C]GTGCCTCATTTTCATCAAGGAAATCACTGATCTTCAATTCAAGTTTATTGATTTCCTTTG-3'
Protein context (NP_079390.3, residues 493-513): ISDFLDENEA[Leu503Arg]RERVGLEPKT